The following is an entry in ClinVar:

ClinVar aggregate classification (germline): Uncertain significance. Review status: criteria provided, multiple submitters, no conflicts (2 of 4 stars). 5 submissions from 5 submitters: Uncertain significance (5). Last evaluated 2024-07-01.

Conditions:
Hereditary cancer-predisposing syndrome. Also called: Neoplastic Syndromes, Hereditary; Hereditary Cancer Syndrome; Hereditary neoplastic syndrome; Tumor predisposition. Identifiers: Orphanet 140162, MedGen C0027672, MeSH D009386, MONDO:0015356.
Melanoma, cutaneous malignant, susceptibility to, 1 (CMM1). Also called: MELANOMA, MALIGNANT; DYSPLASTIC NEVUS SYNDROME, HEREDITARY; FAMILIAL ATYPICAL MOLE-MALIGNANT MELANOMA SYNDROME; B-K MOLE SYNDROME. Identifiers: Orphanet 618, MedGen C1835047, MONDO:0007963, OMIM 155600.
Peutz-Jeghers syndrome (PJS). Also called: Peutz-Jeghers polyposis; Periorificial lentiginosis syndrome; POLYPOSIS, HAMARTOMATOUS INTESTINAL; POLYPS-AND-SPOTS SYNDROME. Identifiers: Orphanet 2869, MedGen C0031269, MeSH D010580, MONDO:0008280, OMIM 175200.

Submissions (5):

Labcorp Genetics (formerly Invitae), Labcorp
Classification: Uncertain significance for Peutz-Jeghers syndrome. Last evaluated: 2024-07-01. Review status: criteria provided, single submitter. Criteria: Invitae Variant Classification Sherloc (09022015). Collection method: clinical testing. Allele origin: germline.
Comment: This sequence change replaces proline, which is neutral and non-polar, with leucine, which is neutral and non-polar, at codon 326 of the STK11 protein (p.Pro326Leu). This variant is not present in population databases (gnomAD no frequency). This variant has not been reported in the literature in individuals affected with STK11-related conditions. ClinVar contains an entry for this variant (Variation ID: 141073). Advanced modeling of protein sequence and biophysical properties (such as structural, functional, and spatial information, amino acid conservation, physicochemical variation, residue mobility, and thermodynamic stability) performed at Invitae indicates that this missense variant is not expected to disrupt STK11 protein function with a negative predictive value of 95%. In summary, the available evidence is currently insufficient to determine the role of this variant in disease. Therefore, it has been classified as a Variant of Uncertain Significance.

Baylor Genetics
Classification: Uncertain significance for Melanoma, cutaneous malignant, susceptibility to, 1. Last evaluated: 2024-03-27. Review status: criteria provided, single submitter. Criteria: ACMG Guidelines, 2015. Collection method: clinical testing. Allele origin: unknown.

Genome-Nilou Lab
Classification: Uncertain significance for Peutz-Jeghers syndrome. Last evaluated: 2021-07-15. Review status: criteria provided, single submitter. Criteria: ACMG Guidelines, 2015. Collection method: clinical testing. Allele origin: germline. Affected: no.

Ambry Genetics
Classification: Uncertain significance for Hereditary cancer-predisposing syndrome. Last evaluated: 2020-07-17. Review status: criteria provided, single submitter. Criteria: Ambry Variant Classification Scheme 2023. Collection method: clinical testing. Allele origin: germline.
Comment: The p.P326L variant (also known as c.977C>T), located in coding exon 8 of the STK11 gene, results from a C to T substitution at nucleotide position 977. The proline at codon 326 is replaced by leucine, an amino acid with similar properties. This amino acid position is not well conserved in available vertebrate species. In addition, this alteration is predicted to be tolerated by in silico analysis. Since supporting evidence is limited at this time, the clinical significance of this alteration remains unclear.

Color Diagnostics, LLC DBA Color Health
Classification: Uncertain significance for Hereditary cancer-predisposing syndrome. Last evaluated: 2020-01-22. Review status: criteria provided, single submitter. Criteria: ACMG Guidelines, 2015. Collection method: clinical testing. Allele origin: germline.
Comment: This missense variant replaces proline with leucine at codon 326 of the STK11 protein. Computational prediction suggests that this variant may not impact protein structure and function (internally defined REVEL score threshold <= 0.5, PMID: 27666373). Splice site prediction tools suggest that this variant may not impact RNA splicing. To our knowledge, functional studies have not been performed for this variant. This variant has not been reported in individuals affected with hereditary cancer in the literature. This variant has not been identified in the general population by the Genome Aggregation Database (gnomAD). The available evidence is insufficient to determine the role of this variant in disease conclusively. Therefore, this variant is classified as a Variant of Uncertain Significance.

NM_000455.5(STK11):c.977C>T (p.Pro326Leu)

Gene: STK11 (serine/threonine kinase 11; plus strand). Cytogenetic location: 19p13.3.
Variant type: single nucleotide variant.
Coding change: c.977C>T on transcript NM_000455.5 (MANE Select); coding-DNA position 977, C replaced by T.
Protein change: p.Pro326Leu; replaces proline 326 with leucine.
Molecular consequence: missense variant.
Genome position (GRCh38, 1-based): chr19:1,223,041, C>T. VCF-style: chr19-1223041-C-T. GRCh37 (hg19) VCF-style: chr19-1223040-C-T.
Other names: short protein forms P326L.
Identifiers: ClinVar variation 141073 (VCV000141073.17), dbSNP rs587781474, ClinGen allele CA023393.
Genomic context (GRCh38, chr19:1,223,041, plus strand): 5'-GCAGCTGGTTCCGGAAGAAACATCCTCCGGCTGAAGCACCAGTGCCCATCCCACCGAGCC[C>T]AGACACCAAGGACCGGTGGCGCAGCATGACTGTGGTGCCGTACTTGGAGGACCTGCACGG-3'
Protein context (NP_000446.1, residues 316-336): AEAPVPIPPS[Pro326Leu]DTKDRWRSMT